The following is an entry in ClinVar:

ClinVar aggregate classification (germline): Likely benign. Review status: criteria provided, multiple submitters, no conflicts (2 of 4 stars). 3 submissions from 3 submitters: Likely benign (3). Last evaluated 2025-09-24.

Conditions:
Autosomal recessive limb-girdle muscular dystrophy type 2J (LGMDR10). Also called: Limb-girdle muscular dystrophy, type 2J; MUSCULAR DYSTROPHY, LIMB-GIRDLE, AUTOSOMAL RECESSIVE 10. Identifiers: Orphanet 140922, MedGen C1837342, MONDO:0012127, OMIM 608807.
Dilated cardiomyopathy 1G (CMD1G). Identifiers: Orphanet 154, MedGen C1858763, MONDO:0011400, OMIM 604145.
Cardiovascular phenotype. Identifiers: MedGen CN230736.

Allele frequency attached by ClinVar (database versions not stated): gnomAD exomes below 0.00001.
gnomAD v4.1: 7 of 1,613,520 alleles (0.00043%); highest among the groups gnomAD compares: Non-Finnish European, 0.00051%; no homozygotes.

Submissions (3):

Labcorp Genetics (formerly Invitae), Labcorp
Classification: Likely benign for Dilated cardiomyopathy 1G; Autosomal recessive limb-girdle muscular dystrophy type 2J. Last evaluated: 2025-09-24. Review status: criteria provided, single submitter. Criteria: Invitae Variant Classification Sherloc (09022015). Collection method: clinical testing. Allele origin: germline.

Ambry Genetics
Classification: Likely benign for Cardiovascular phenotype. Last evaluated: 2024-09-20. Review status: criteria provided, single submitter. Criteria: Ambry Variant Classification Scheme 2023. Collection method: clinical testing. Allele origin: germline.

GeneDx
Classification: Likely benign. Last evaluated: 2018-01-03. Review status: criteria provided, single submitter. Criteria: GeneDx Variant Classification (06012015). Collection method: clinical testing. Allele origin: germline. Affected: yes.
Comment: This variant is considered likely benign or benign based on one or more of the following criteria: it is a conservative change, it occurs at a poorly conserved position in the protein, it is predicted to be benign by multiple in silico algorithms, and/or has population frequency not consistent with disease.

NM_001267550.2(TTN):c.97623G>C (p.Val32541=)

Genes: TTN (titin; minus strand), TTN-AS1 (TTN antisense RNA 1; plus strand). Cytogenetic location: 2q31.2.
Variant type: single nucleotide variant.
Coding change: c.97623G>C on transcript NM_001267550.2 (MANE Select); coding-DNA position 97623, G replaced by C.
Protein change: p.Val32541=; no amino-acid change (valine 32541 retained).
Molecular consequence: synonymous variant.
Genome position (GRCh38, 1-based): chr2:178,541,454, C>G on the plus strand (G>C on the coding strand, the complement: TTN is on the minus strand). VCF-style: chr2-178541454-C-G. GRCh37 (hg19) VCF-style: chr2-179406181-C-G.
Other names: c.92700G>C, p.Val30900= (NM_001256850.1); c.70428G>C, p.Val23476= (NM_003319.4); c.89919G>C, p.Val29973= (NM_133378.4); c.70803G>C, p.Val23601= (NM_133432.3); c.71004G>C, p.Val23668= (NM_133437.4).
Identifiers: ClinVar variation 413189 (VCV000413189.10), dbSNP rs1060503961, ClinGen allele CA16610296.